The following is an entry in ClinVar:

ClinVar aggregate classification (germline): Uncertain significance. Review status: criteria provided, multiple submitters, no conflicts (2 of 4 stars). 2 submissions from 2 submitters: Uncertain significance (2). Last evaluated 2024-01-19.

Allele frequency attached by ClinVar (database versions not stated): ExAC below 0.00001; gnomAD exomes 0.00001; TOPMed 0.00002.
gnomAD v4.1: 148 of 1,505,370 alleles (0.0098%); highest among the groups gnomAD compares: Non-Finnish European, 0.012%; no homozygotes.

Submissions (2):

Labcorp Genetics (formerly Invitae), Labcorp
Classification: Uncertain significance. Last evaluated: 2024-01-19. Review status: criteria provided, single submitter. Criteria: Invitae Variant Classification Sherloc (09022015). Collection method: clinical testing. Allele origin: germline.
Comment: This sequence change replaces aspartic acid, which is acidic and polar, with asparagine, which is neutral and polar, at codon 66 of the P3H2 protein (p.Asp66Asn). The frequency data for this variant in the population databases is considered unreliable, as metrics indicate poor data quality at this position in the gnomAD database. This variant has not been reported in the literature in individuals affected with P3H2-related conditions. ClinVar contains an entry for this variant (Variation ID: 1004342). Advanced modeling of protein sequence and biophysical properties (such as structural, functional, and spatial information, amino acid conservation, physicochemical variation, residue mobility, and thermodynamic stability) performed at Invitae indicates that this missense variant is not expected to disrupt P3H2 protein function with a negative predictive value of 80%. In summary, the available evidence is currently insufficient to determine the role of this variant in disease. Therefore, it has been classified as a Variant of Uncertain Significance.

Blueprint Genetics
Classification: Uncertain significance. Last evaluated: 2023-10-26. Review status: criteria provided, single submitter. Criteria: ACMG Guidelines, 2015. Collection method: clinical testing. Allele origin: germline.

NM_018192.4(P3H2):c.196G>A (p.Asp66Asn)

Gene: P3H2 (prolyl 3-hydroxylase 2; minus strand). Cytogenetic location: 3q28.
Variant type: single nucleotide variant.
Coding change: c.196G>A on transcript NM_018192.4 (MANE Select); coding-DNA position 196, G replaced by A.
Protein change: p.Asp66Asn; replaces aspartic acid 66 with asparagine.
Molecular consequence: missense variant. On other transcripts: intron variant (1).
Genome position (GRCh38, 1-based): chr3:190,120,536, C>T on the plus strand (G>A on the coding strand, the complement: P3H2 is on the minus strand). VCF-style: chr3-190120536-C-T. GRCh37 (hg19) VCF-style: chr3-189838325-C-T.
Other names: c.-64+1667G>A (NM_001134418.2); short protein forms D66N.
Identifiers: ClinVar variation 1004342 (VCV001004342.4), dbSNP rs752644553, ClinGen allele CA2753410.